The following is an entry in ClinVar:

ClinVar aggregate classification (germline): Uncertain significance. Review status: criteria provided, multiple submitters, no conflicts (2 of 4 stars). 2 submissions from 2 submitters: Uncertain significance (2). Last evaluated 2025-05-27.

Allele frequency attached by ClinVar (database versions not stated): gnomAD exomes below 0.00001; TOPMed below 0.00001; gnomAD 0.00001; 1000 Genomes Project 30x 0.00016.
gnomAD v4.1: 31 of 1,591,136 alleles (0.0019%); highest among the groups gnomAD compares: Admixed American, 0.0035%; no homozygotes.

Submissions (2):

Labcorp Genetics (formerly Invitae), Labcorp
Classification: Uncertain significance. Last evaluated: 2025-05-27. Review status: criteria provided, single submitter. Criteria: Invitae Variant Classification Sherloc (09022015). Collection method: clinical testing. Allele origin: germline.
Comment: This sequence change replaces alanine, which is neutral and non-polar, with valine, which is neutral and non-polar, at codon 121 of the TNFRSF6B protein (p.Ala121Val). The frequency data for this variant in the population databases is considered unreliable, as metrics indicate poor data quality at this position in the gnomAD database. This variant has not been reported in the literature in individuals affected with TNFRSF6B-related conditions. ClinVar contains an entry for this variant (Variation ID: 1007122). An algorithm developed to predict the effect of missense changes on protein structure and function outputs the following: PolyPhen-2: "Benign". The valine amino acid residue is found in multiple mammalian species, which suggests that this missense change does not adversely affect protein function. In summary, the available evidence is currently insufficient to determine the role of this variant in disease. Therefore, it has been classified as a Variant of Uncertain Significance.

Ambry Genetics
Classification: Uncertain significance. Last evaluated: 2025-01-19. Review status: criteria provided, single submitter. Criteria: Ambry Variant Classification Scheme 2023. Collection method: clinical testing. Allele origin: germline.

NM_003823.4(TNFRSF6B):c.362C>T (p.Ala121Val)

Genes: RTEL1-TNFRSF6B (RTEL1-TNFRSF6B readthrough (NMD candidate); plus strand), TNFRSF6B (TNF receptor superfamily member 6b; plus strand). Cytogenetic location: 20q13.33.
Variant type: single nucleotide variant.
Coding change: c.362C>T on transcript NM_003823.4 (MANE Select); coding-DNA position 362, C replaced by T.
Protein change: p.Ala121Val; replaces alanine 121 with valine.
Molecular consequence: missense variant. On other transcripts: non-coding transcript variant (1).
Genome position (GRCh38, 1-based): chr20:63,697,129, C>T. VCF-style: chr20-63697129-C-T. GRCh37 (hg19) VCF-style: chr20-62328482-C-T.
Other names: c.362C>T (NM_003823.3); short protein forms A121V.
Identifiers: ClinVar variation 1007122 (VCV001007122.10), dbSNP rs1173176877, ClinGen allele CA409711285.
Genomic context (GRCh38, chr20:63,697,129, plus strand): 5'-AGGCACGGGCTTGCCACGCCACCCACAACCGTGCCTGCCGCTGCCGCACCGGCTTCTTCG[C>T]GCACGCTGGTTTCTGCTTGGAGCACGCATCGTGTCCACCTGGTGCCGGCGTGATTGCCCC-3'
Protein context (NP_003814.1, residues 111-131): RACRCRTGFF[Ala121Val]HAGFCLEHAS